The following is an entry in ClinVar:

NM_018429.3(BDP1):c.7664A>G (p.Asn2555Ser)

Gene: BDP1 (BDP1 general transcription factor IIIB subunit; plus strand). Cytogenetic location: 5q13.2.
Variant type: single nucleotide variant.
Coding change: c.7664A>G on transcript NM_018429.3 (MANE Select); coding-DNA position 7664, A replaced by G.
Protein change: p.Asn2555Ser; replaces asparagine 2555 with serine.
Molecular consequence: missense variant.
Genome position (GRCh38, 1-based): chr5:71,562,441, A>G. VCF-style: chr5-71562441-A-G. GRCh37 (hg19) VCF-style: chr5-70858268-A-G.
Other names: short protein forms N2555S.
Identifiers: ClinVar variation 682762 (VCV000682762.5), dbSNP rs17276250, ClinGen allele CA3297577.

ClinVar aggregate classification (germline): Benign. Review status: criteria provided, multiple submitters, no conflicts (2 of 4 stars). 4 submissions from 4 submitters: Benign (3). 1 of the submissions does not count toward it. Last evaluated 2019-01-17.

Conditions:
BDP1-related disorder. Also called: BDP1-related condition.

Allele frequency attached by ClinVar (database versions not stated): 1000 Genomes Project 0.01258; 1000 Genomes Project 30x 0.01296; ExAC 0.02164; TOPMed 0.02282; ESP Exome Variant Server 0.02853.
gnomAD v4.1: 46,801 of 1,613,854 alleles (2.9%); highest among the groups gnomAD compares: Non-Finnish European, 3.5%; 842 homozygotes.

Submissions (4):

GeneDx
Classification: Benign. Last evaluated: 2019-01-17. Review status: criteria provided, single submitter. Criteria: GeneDx Variant Classification (06012015). Collection method: clinical testing. Allele origin: germline. Affected: yes.
Comment: This variant is considered likely benign or benign based on one or more of the following criteria: it is a conservative change, it occurs at a poorly conserved position in the protein, it is predicted to be benign by multiple in silico algorithms, and/or has population frequency not consistent with disease.

Athena Diagnostics
Classification: Benign. Last evaluated: 2018-11-16. Review status: criteria provided, single submitter. Criteria: Athena Diagnostics Criteria. Collection method: clinical testing. Allele origin: germline.

Breakthrough Genomics
Classification: Benign. Review status: criteria provided, single submitter. Criteria: ACMG Guidelines, 2015. Collection method: not provided. Allele origin: germline. Inheritance: Autosomal recessive inheritance. Affected: yes.

PreventionGenetics, part of Exact Sciences
Classification: Benign for BDP1-related condition. Last evaluated: 2019-04-01. Review status: no assertion criteria provided. Collection method: clinical testing. Allele origin: germline. Not counted in ClinVar's aggregate classification.
Comment: This variant is classified as benign based on ACMG/AMP sequence variant interpretation guidelines (Richards et al. 2015 PMID: 25741868, with internal and published modifications).